The following is an entry in ClinVar:

NM_004360.5(CDH1):c.2295G>A (p.Gln765=)

Gene: CDH1 (cadherin 1; plus strand). Cytogenetic location: 16q22.1.
Variant type: single nucleotide variant.
Coding change: c.2295G>A on transcript NM_004360.5 (MANE Select); coding-DNA position 2295, G replaced by A.
Protein change: p.Gln765=; no amino-acid change (glutamine 765 retained).
Molecular consequence: synonymous variant.
Genome position (GRCh38, 1-based): chr16:68,828,304, G>A. VCF-style: chr16-68828304-G-A. GRCh37 (hg19) VCF-style: chr16-68862207-G-A.
Other names: c.2112G>A, p.Gln704= (NM_001317184.2); c.747G>A, p.Gln249= (NM_001317185.2); c.330G>A, p.Gln110= (NM_001317186.2).
Identifiers: ClinVar variation 850691 (VCV000850691.10), dbSNP rs1961383748, ClinGen allele CA496157198.

ClinVar aggregate classification (germline): Conflicting classifications of pathogenicity. Review status: criteria provided, conflicting classifications (1 of 4 stars). 2 submissions from 2 submitters: Likely pathogenic (1); Uncertain significance (1). Last evaluated 2023-10-10.

Conditions:
Hereditary cancer-predisposing syndrome. Also called: Neoplastic Syndromes, Hereditary; Hereditary Cancer Syndrome; Hereditary neoplastic syndrome; Tumor predisposition. Identifiers: Orphanet 140162, MedGen C0027672, MeSH D009386, MONDO:0015356.
Hereditary diffuse gastric adenocarcinoma (HDGC). Also called: DIFFUSE GASTRIC AND LOBULAR BREAST CANCER SYNDROME. Identifiers: Orphanet 26106, MedGen C1708349, MONDO:0007648, OMIM 137215.

Submissions (2):

Labcorp Genetics (formerly Invitae), Labcorp
Classification: Uncertain significance for Hereditary diffuse gastric adenocarcinoma. Last evaluated: 2023-10-10. Review status: criteria provided, single submitter. Criteria: Invitae Variant Classification Sherloc (09022015). Collection method: clinical testing. Allele origin: germline.
Comment: This sequence change affects codon 765 of the CDH1 mRNA. It is a 'silent' change, meaning that it does not change the encoded amino acid sequence of the CDH1 protein. This variant also falls at the last nucleotide of exon 14, which is part of the consensus splice site for this exon. This variant is not present in population databases (gnomAD no frequency). This variant has not been reported in the literature in individuals affected with CDH1-related conditions. ClinVar contains an entry for this variant (Variation ID: 850691). Variants that disrupt the consensus splice site are a relatively common cause of aberrant splicing (PMID: 17576681, 9536098). Algorithms developed to predict the effect of sequence changes on RNA splicing suggest that this variant may disrupt the consensus splice site. In summary, the available evidence is currently insufficient to determine the role of this variant in disease. Therefore, it has been classified as a Variant of Uncertain Significance.

Ambry Genetics
Classification: Likely pathogenic for Hereditary cancer-predisposing syndrome. Last evaluated: 2020-02-26. Review status: criteria provided, single submitter. Criteria: Ambry Variant Classification Scheme 2023. Collection method: clinical testing. Allele origin: germline.
Comment: The c.2295G>A variant (also known as p.Q765Q), located in coding exon 14 of the CDH1 gene, results from a G to A substitution at nucleotide position 2295. This nucleotide substitution does not change the amino acid at codon 765. However, this change occurs in the last base pair of coding exon 14, which makes it likely to have some effect on normal mRNA splicing. This alteration has been detected in a family with clinical history consistent with Hereditary Diffuse Gastric Cancer (Ambry internal data). This nucleotide position is highly conserved in available vertebrate species. Using two different splice site prediction tools, this alteration is predicted by BDGP to abolish the native splice donor site, but is predicted to weaken (but not abolish) the efficiency of the native splice donor site by ESEfinder. RNA studies have demonstrated that this alteration results in abnormal splicing in the set of samples tested (Ambry internal data). Based on the majority of available evidence to date, this variant is likely to be pathogenic.

Literature cited by the submitters: PubMed 17576681 (cited by Labcorp Genetics (formerly Invitae), Labcorp); PubMed 9536098 (cited by Labcorp Genetics (formerly Invitae), Labcorp).